The following is an entry in ClinVar:

ClinVar aggregate classification (germline): Uncertain significance (0 of 4 stars; one submission).

Conditions:
ZBTB47-related condition.

gnomAD v4.1: 1 of 1,600,712 alleles (0.000062%); highest among the groups gnomAD compares: Non-Finnish European, 0.000085%; no homozygotes.

Submission:

PreventionGenetics, part of Exact Sciences
Classification: Uncertain significance for ZBTB47-related condition. Last evaluated: 2024-09-12. Review status: no assertion criteria provided. Collection method: clinical testing. Allele origin: germline.
Comment: The ZBTB47 c.2038G>A variant is predicted to result in the amino acid substitution p.Glu680Lys. To our knowledge, this variant has not been reported in the literature or in a large population database, indicating this variant is rare. An alternate substitution (p.Glu680Gly) at this amino acid position has been reported as de novo in a patient with neurodevelopmental disorder (Patient 1, Ward et al. 2024. PubMed ID: 37743782). Although we suspect that this variant may be pathogenic, at this time, the clinical significance of this variant is uncertain due to the absence of conclusive functional and genetic evidence.

NM_145166.4(ZBTB47):c.2038G>A (p.Glu680Lys)

Gene: ZBTB47 (zinc finger and BTB domain containing 47; plus strand). Cytogenetic location: 3p22.1.
Variant type: single nucleotide variant.
Coding change: c.2038G>A on transcript NM_145166.4 (MANE Select); coding-DNA position 2038, G replaced by A.
Protein change: p.Glu680Lys; replaces glutamic acid 680 with lysine.
Molecular consequence: missense variant.
Genome position (GRCh38, 1-based): chr3:42,664,392, G>A. VCF-style: chr3-42664392-G-A. GRCh37 (hg19) VCF-style: chr3-42705884-G-A.
Other names: c.2122G>A, p.Glu708Lys (NM_001410746.1); short protein forms E680K, E708K.
Identifiers: ClinVar variation 3346011 (VCV003346011.1).
Genomic context (GRCh38, chr3:42,664,392, plus strand): 5'-TACCCGTGCGACGTGTGTGGCCAGCGCTTCCGCTTCTCCAACATGCTCAAGGCCCACAAG[G>A]AGAAGTGCTTCCGCGTCAGCCACACCCTGGCCGGCGACGGCGTCCCCGCTGCCCCAGGCC-3'
Protein context (NP_660149.2, residues 670-690): RFSNMLKAHK[Glu680Lys]KCFRVSHTLA